The following is an entry in ClinVar:

ClinVar aggregate classification (germline): Uncertain significance (1 of 4 stars; one submission).

Conditions:
Hypertrophic cardiomyopathy. Also called: HYPERTROPHIC MYOCARDIOPATHY. Identifiers: Orphanet 217569, MedGen C0007194, MeSH D002312, MONDO:0005045, HP:0001639.

Submission:

Labcorp Genetics (formerly Invitae), Labcorp
Classification: Uncertain significance for Hypertrophic cardiomyopathy. Last evaluated: 2023-01-28. Review status: criteria provided, single submitter. Criteria: Invitae Variant Classification Sherloc (09022015). Collection method: clinical testing. Allele origin: unknown.
Comment: In summary, the available evidence is currently insufficient to determine the role of this variant in disease. Therefore, it has been classified as a Variant of Uncertain Significance. This variant has not been reported in the literature in individuals affected with JPH2-related conditions. This variant results in a copy number gain of the genomic region encompassing exon(s) 3-5 of the JPH2 gene. This region includes the termination codon of the gene. This copy number gain extends beyond the assayed region for this gene and therefore may encompass additional genes. As the precise location of this event is unknown, it may be in tandem or it may be located elsewhere in the genome.

NC_000020.10:g.(?_42743436)_(42747283_?)dup

Gene: JPH2 (junctophilin 2; minus strand). Cytogenetic location: 20q13.12.
Variant type: Duplication.
Identifiers: ClinVar variation 3248220 (VCV003248220.1).